The following is an entry in ClinVar:

ClinVar aggregate classification (germline): Uncertain significance (0 of 4 stars; one submission).

Conditions:
EIF2B2-related disorder. Also called: EIF2B2-related condition.

Allele frequency attached by ClinVar (database versions not stated): gnomAD exomes below 0.00001; ExAC 0.00001; TOPMed 0.00002.

Submission:

PreventionGenetics, part of Exact Sciences
Classification: Uncertain significance for EIF2B2-related condition. Last evaluated: 2024-02-05. Review status: no assertion criteria provided. Collection method: clinical testing. Allele origin: germline.
Comment: The EIF2B2 c.1052T>C variant is predicted to result in the amino acid substitution p.Leu351Ser. To our knowledge, this variant has not been reported in the literature. This variant is reported in 0.016% of alleles in individuals of East Asian descent in gnomAD. At this time, the clinical significance of this variant is uncertain due to the absence of conclusive functional and genetic evidence.

NM_014239.4(EIF2B2):c.1052T>C (p.Leu351Ser)

Gene: EIF2B2 (eukaryotic translation initiation factor 2B subunit beta; plus strand). Cytogenetic location: 14q24.3.
Variant type: single nucleotide variant.
Coding change: c.1052T>C on transcript NM_014239.4 (MANE Select); coding-DNA position 1052, T replaced by C.
Protein change: p.Leu351Ser; replaces leucine 351 with serine.
Molecular consequence: missense variant.
Genome position (GRCh38, 1-based): chr14:75,009,184, T>C. VCF-style: chr14-75009184-T-C. GRCh37 (hg19) VCF-style: chr14-75475887-T-C.
Other names: short protein forms L351S.
Identifiers: ClinVar variation 3053328 (VCV003053328.2), dbSNP rs778740286, ClinGen allele CA7275130.